The following is an entry in ClinVar:

ClinVar aggregate classification (germline): Uncertain significance (1 of 4 stars; one submission).

Conditions:
Ataxia-telangiectasia-like disorder (ATLD). Identifiers: MedGen C1858391, MONDO:0011457.

Submission:

Labcorp Genetics (formerly Invitae), Labcorp
Classification: Uncertain significance for Ataxia-telangiectasia-like disorder. Last evaluated: 2020-10-14. Review status: criteria provided, single submitter. Criteria: Invitae Variant Classification Sherloc (09022015). Collection method: clinical testing. Allele origin: germline.
Comment: Algorithms developed to predict the effect of missense changes on protein structure and function (SIFT, PolyPhen-2, Align-GVGD) all suggest that this variant is likely to be tolerated, but these predictions have not been confirmed by published functional studies and their clinical significance is uncertain. Algorithms developed to predict the effect of sequence changes on RNA splicing suggest that this variant may create or strengthen a splice site, but this prediction has not been confirmed by published transcriptional studies. In summary, the available evidence is currently insufficient to determine the role of this variant in disease. Therefore, it has been classified as a Variant of Uncertain Significance. This variant has not been reported in the literature in individuals with MRE11-related conditions. This sequence change replaces leucine with valine at codon 260 of the MRE11 protein (p.Leu260Val). The leucine residue is moderately conserved and there is a small physicochemical difference between leucine and valine. This variant is not present in population databases (ExAC no frequency).

NM_005591.4(MRE11):c.778C>G (p.Leu260Val)

Gene: MRE11 (MRE11 double strand break repair nuclease; minus strand). Cytogenetic location: 11q21.
Variant type: single nucleotide variant.
Coding change: c.778C>G on transcript NM_005591.4 (MANE Select); coding-DNA position 778, C replaced by G.
Protein change: p.Leu260Val; replaces leucine 260 with valine.
Molecular consequence: missense variant.
Genome position (GRCh38, 1-based): chr11:94,471,641, G>C on the plus strand (C>G on the coding strand, the complement: MRE11 is on the minus strand). VCF-style: chr11-94471641-G-C. GRCh37 (hg19) VCF-style: chr11-94204807-G-C.
Other names: c.778C>G, p.Leu260Val (NM_001330347.2, NM_005590.4); short protein forms L260V.
Identifiers: ClinVar variation 1038054 (VCV001038054.8), dbSNP rs1946715600, ClinGen allele CA382375657.